The following is an entry in ClinVar:

ClinVar aggregate classification (germline): Likely pathogenic (1 of 4 stars; one submission).

Conditions:
Familial cancer of breast. Also called: Hereditary breast cancer; BREAST CANCER, FAMILIAL; hereditary breast carcinoma. Identifiers: Orphanet 227535, MedGen C0346153, MONDO:0016419, OMIM 114480. Disease mechanism: loss of function.
Fanconi anemia complementation group J. Also called: BRIP1-Related Fanconi Anemia. Identifiers: Orphanet 84, MedGen C1836860, MONDO:0012187, OMIM 609054.

Submission:

Labcorp Genetics (formerly Invitae), Labcorp
Classification: Likely pathogenic for Familial cancer of breast; Fanconi anemia complementation group J. Last evaluated: 2019-05-08. Review status: criteria provided, single submitter. Criteria: Invitae Variant Classification Sherloc (09022015). Collection method: clinical testing. Allele origin: germline.
Comment: This variant results in a copy number gain of the genomic region encompassing exon 18 of the BRIP1 gene. While the exact position of this variant cannot be determined from this data, sub-genic copy number gains are generally in tandem (PMID: 25640679) and may result in an absent or disrupted protein product. This variant has not been reported in the literature in individuals with BRIP1-related conditions. Loss-of-function variants in BRIP1 are known to be pathogenic (PMID: 16116423, 17033622, 21964575). In summary, the currently available evidence indicates that the variant is pathogenic, but additional data are needed to prove that conclusively. Therefore, this variant has been classified as Likely Pathogenic.

Literature cited by the submitters: PubMed 25640679; PubMed 16116423; PubMed 17033622; PubMed 21964575.

NC_000017.10:g.(?_59770785)_(59770879_?)dup

Gene: BRIP1 (BRCA1 interacting DNA helicase 1; minus strand). Cytogenetic location: 17q23.2.
Variant type: Duplication.
Identifiers: ClinVar variation 1066774 (VCV001066774.2).